The following is an entry in ClinVar:

ClinVar aggregate classification (germline): Uncertain significance (1 of 4 stars; one submission).

Conditions:
Dyskeratosis congenita, autosomal dominant 6 (DKCA6). Identifiers: Orphanet 3322, MedGen C4225284, MONDO:0014690, OMIM 616553.

Submission:

Labcorp Genetics (formerly Invitae), Labcorp
Classification: Uncertain significance for Dyskeratosis congenita, autosomal dominant 6. Last evaluated: 2024-11-04. Review status: criteria provided, single submitter. Criteria: Invitae Variant Classification Sherloc (09022015). Collection method: clinical testing. Allele origin: germline.
Comment: This sequence change replaces lysine, which is basic and polar, with glutamine, which is neutral and polar, at codon 492 of the ACD protein (p.Lys492Gln). This variant is present in population databases (rs747097854, gnomAD 0.006%). This variant has not been reported in the literature in individuals affected with ACD-related conditions. Invitae Evidence Modeling of protein sequence and biophysical properties (such as structural, functional, and spatial information, amino acid conservation, physicochemical variation, residue mobility, and thermodynamic stability) indicates that this missense variant is not expected to disrupt ACD protein function with a negative predictive value of 80%. In summary, the available evidence is currently insufficient to determine the role of this variant in disease. Therefore, it has been classified as a Variant of Uncertain Significance.

NM_001082486.2(ACD):c.1216A>C (p.Lys406Gln)

Gene: ACD (ACD shelterin complex subunit and telomerase recruitment factor; minus strand). Cytogenetic location: 16q22.1.
Variant type: single nucleotide variant.
Coding change: c.1216A>C on transcript NM_001082486.2 (MANE Select); coding-DNA position 1216, A replaced by C.
Protein change: p.Lys406Gln; replaces lysine 406 with glutamine.
Molecular consequence: missense variant.
Genome position (GRCh38, 1-based): chr16:67,657,844, T>G on the plus strand (A>C on the coding strand, the complement: ACD is on the minus strand). VCF-style: chr16-67657844-T-G. GRCh37 (hg19) VCF-style: chr16-67691747-T-G.
Other names: c.1129A>C, p.Lys377Gln (NM_001410884.1); c.1207A>C, p.Lys403Gln (NM_022914.3); short protein forms K377Q, K406Q, K403Q.
Identifiers: ClinVar variation 3652602 (VCV003652602.2).